The following is an entry in ClinVar:

NM_015156.4(RCOR1):c.73GCCTCCGCCGCCGCC[1] (p.25ASAAA[1])

Gene: RCOR1 (REST corepressor 1; plus strand). Cytogenetic location: 14q32.31.
Variant type: Microsatellite.
Coding change: c.73GCCTCCGCCGCCGCC[1] on transcript NM_015156.4 (MANE Select); one copy of the 15-base unit GCCTCCGCCGCCGCC starting at c.73; the reference has two copies in a row; one copy, 15 bases deleted.
Protein change: p.25ASAAA[1].
Molecular consequence: inframe deletion.
Genome position (GRCh38, 1-based): chr14:102,592,974-102,592,988, GCCTCCGCCGCCGCC deleted; deleting any 15 consecutive bases within chr14:102,592,957-102,592,988 gives the same sequence; the position shown is the placement nearest the transcript's 3' end. VCF-style (leftmost placement, unchanged base first): chr14-102592956-TCCGCCTCCGCCGCCG-T. GRCh37 (hg19) VCF-style: chr14-103059293-TCCGCCTCCGCCGCCG-T.
Identifiers: ClinVar variation 1494061 (VCV001494061.6), dbSNP rs769670360, ClinGen allele CA7358679.
Genomic context (GRCh38, chr14:102,592,956, plus strand): 5'-ATGGTGGAGAAGGGCCCCGAGGTCTCAGGGAAGCGGAGAGGGAGGAACAACGCGGCCGCC[TCCGCCTCCGCCGCCG>T]CCGCCTCCGCCGCCGCCTCGGCCGCCTGCGCCTCGCCAGCCGCCACTGCCGCCTCGGGCG-3'

ClinVar aggregate classification (germline): Uncertain significance (1 of 4 stars; one submission).

Submission:

Labcorp Genetics (formerly Invitae), Labcorp
Classification: Uncertain significance. Last evaluated: 2024-03-11. Review status: criteria provided, single submitter. Criteria: Invitae Variant Classification Sherloc (09022015). Collection method: clinical testing. Allele origin: germline.
Comment: This variant, c.88_102del, results in the deletion of 5 amino acid(s) of the RCOR1 protein (p.Ala30_Ala34del), but otherwise preserves the integrity of the reading frame. The frequency data for this variant in the population databases is considered unreliable, as metrics indicate poor data quality at this position in the gnomAD database. This variant has not been reported in the literature in individuals affected with RCOR1-related conditions. Experimental studies and prediction algorithms are not available or were not evaluated, and the functional significance of this variant is currently unknown. In summary, the available evidence is currently insufficient to determine the role of this variant in disease. Therefore, it has been classified as a Variant of Uncertain Significance.